The following is an entry in ClinVar:

NM_152393.4(KLHL40):c.1110C>G (p.Asn370Lys)

Gene: KLHL40 (kelch like family member 40; plus strand). Cytogenetic location: 3p22.1.
Variant type: single nucleotide variant.
Coding change: c.1110C>G on transcript NM_152393.4 (MANE Select); coding-DNA position 1110, C replaced by G.
Protein change: p.Asn370Lys; replaces asparagine 370 with lysine.
Molecular consequence: missense variant.
Genome position (GRCh38, 1-based): chr3:42,686,728, C>G. VCF-style: chr3-42686728-C-G. GRCh37 (hg19) VCF-style: chr3-42728220-C-G.
Other names: short protein forms N370K.
Identifiers: ClinVar variation 2050311 (VCV002050311.4), dbSNP rs201966674, ClinGen allele CA352292545.
Genomic context (GRCh38, chr3:42,686,728, plus strand): 5'-CCACGTCAGCCTGGTTACCAAGGAGAACCAGGTCTTCGTGGCTGGAGGCCTCTTCTACAA[C>G]GAAGACAACAAAGAGGACCCCATGAGCGCATACTTCCTGCAGGTGCCTGACCAGCCTTGG-3'
Protein context (NP_689606.2, residues 360-380): QVFVAGGLFY[Asn370Lys]EDNKEDPMSA

ClinVar aggregate classification (germline): Uncertain significance (1 of 4 stars; one submission).

Conditions:
Nemaline myopathy 8 (NEM8). Also called: Nemaline myopathy 8, autosomal recessive. Identifiers: Orphanet 171430, MedGen C3809209, MONDO:0014138, OMIM 615348.

Submission:

Labcorp Genetics (formerly Invitae), Labcorp
Classification: Uncertain significance for Nemaline myopathy 8. Last evaluated: 2022-05-07. Review status: criteria provided, single submitter. Criteria: Invitae Variant Classification Sherloc (09022015). Collection method: clinical testing. Allele origin: germline.
Comment: In summary, the available evidence is currently insufficient to determine the role of this variant in disease. Therefore, it has been classified as a Variant of Uncertain Significance. Algorithms developed to predict the effect of missense changes on protein structure and function are either unavailable or do not agree on the potential impact of this missense change (SIFT: "Deleterious"; PolyPhen-2: "Benign"; Align-GVGD: "Class C0"). This variant has not been reported in the literature in individuals affected with KLHL40-related conditions. This variant is present in population databases (no rsID available, gnomAD 0.006%). This sequence change replaces asparagine, which is neutral and polar, with lysine, which is basic and polar, at codon 370 of the KLHL40 protein (p.Asn370Lys).